The following is an entry in ClinVar:

NM_018714.3(COG1):c.2791G>A (p.Glu931Lys)

Gene: COG1 (component of oligomeric golgi complex 1; plus strand). Cytogenetic location: 17q25.1.
Variant type: single nucleotide variant.
Coding change: c.2791G>A on transcript NM_018714.3 (MANE Select); coding-DNA position 2791, G replaced by A.
Protein change: p.Glu931Lys; replaces glutamic acid 931 with lysine.
Molecular consequence: missense variant.
Genome position (GRCh38, 1-based): chr17:73,207,242, G>A. VCF-style: chr17-73207242-G-A. GRCh37 (hg19) VCF-style: chr17-71203381-G-A.
Other names: short protein forms E931K.
Identifiers: ClinVar variation 471235 (VCV000471235.8), dbSNP rs774479733, ClinGen allele CA8740628.
Genomic context (GRCh38, chr17:73,207,242, plus strand): 5'-TTTGGACTTCTCCCACTGAGCATGACAAGCACTCGAAAGGCTAAATCAACCAGAAACATC[G>A]AAACAAAAGCTCAGGTTGGTGCCAAGAGCAAGAGGCTCATCCGTGGATGGGTCCCCACCT-3'
Protein context (NP_061184.1, residues 921-941): TRKAKSTRNI[Glu931Lys]TKAQVVPPAR

ClinVar aggregate classification (germline): Uncertain significance. Review status: criteria provided, multiple submitters, no conflicts (2 of 4 stars). 3 submissions from 3 submitters: Uncertain significance (3). Last evaluated 2024-12-31.

Conditions:
Inborn genetic diseases. Identifiers: MedGen C0950123, MeSH D030342.
COG1 congenital disorder of glycosylation (CDG2G). Also called: CONGENITAL DISORDER OF GLYCOSYLATION, TYPE IIg; CDG IIg; CDGII/COG1 CEREBROCOSTOMANDIBULAR-LIKE SYNDROME. Identifiers: Orphanet 263508, MedGen C2931011, MONDO:0012637, OMIM 611209.

Allele frequency attached by ClinVar (database versions not stated): gnomAD 0.00001; TOPMed 0.00002; ExAC 0.00008; gnomAD exomes 0.00010.
gnomAD v4.1: 60 of 1,613,726 alleles (0.0037%); highest among the groups gnomAD compares: South Asian, 0.043%; no homozygotes.

Submissions (3):

Ambry Genetics
Classification: Uncertain significance for Inborn genetic diseases. Last evaluated: 2024-12-31. Review status: criteria provided, single submitter. Criteria: Ambry Variant Classification Scheme 2023. Collection method: clinical testing. Allele origin: germline.

GeneDx
Classification: Uncertain significance. Last evaluated: 2022-10-18. Review status: criteria provided, single submitter. Criteria: GeneDx Variant Classification Process June 2021. Collection method: clinical testing. Allele origin: germline. Affected: yes.
Comment: In silico analysis supports that this missense variant does not alter protein structure/function; Has not been previously published as pathogenic or benign to our knowledge

Labcorp Genetics (formerly Invitae), Labcorp
Classification: Uncertain significance for COG1 congenital disorder of glycosylation. Last evaluated: 2022-06-13. Review status: criteria provided, single submitter. Criteria: Invitae Variant Classification Sherloc (09022015). Collection method: clinical testing. Allele origin: germline.
Comment: In summary, the available evidence is currently insufficient to determine the role of this variant in disease. Therefore, it has been classified as a Variant of Uncertain Significance. Algorithms developed to predict the effect of missense changes on protein structure and function (SIFT, PolyPhen-2, Align-GVGD) all suggest that this variant is likely to be tolerated. ClinVar contains an entry for this variant (Variation ID: 471235). This variant has not been reported in the literature in individuals affected with COG1-related conditions. This variant is present in population databases (rs774479733, gnomAD 0.07%). This sequence change replaces glutamic acid, which is acidic and polar, with lysine, which is basic and polar, at codon 931 of the COG1 protein (p.Glu931Lys).